The following is an entry in ClinVar:

ClinVar aggregate classification (germline): Pathogenic. Review status: criteria provided, multiple submitters, no conflicts (2 of 4 stars). 3 submissions from 3 submitters: Pathogenic (3). Last evaluated 2026-05-06.

Conditions:
Breast-ovarian cancer, familial, susceptibility to, 2 (BROVCA2). Also called: BRCA2 Hereditary Breast and Ovarian Cancer. Identifiers: Orphanet 145, MedGen C2675520, MONDO:0012933, OMIM 612555. Disease mechanism: loss of function.
Hereditary breast ovarian cancer syndrome. Also called: Hereditary breast and/or ovarian cancer syndrome; BRCA1- and BRCA2-Associated Hereditary Breast and Ovarian Cancer; Hereditary breast and ovarian cancer syndrome; Hereditary breast and ovarian cancer; Hereditary breast and ovarian cancer syndrome (HBOC); Breast and ovarian cancer. Identifiers: Orphanet 145, MedGen C0677776, MeSH D061325, MONDO:0003582. Disease mechanism: loss of function.
Hereditary cancer-predisposing syndrome. Also called: Neoplastic Syndromes, Hereditary; Tumor predisposition; Hereditary neoplastic syndrome; Hereditary Cancer Syndrome. Identifiers: Orphanet 140162, MedGen C0027672, MeSH D009386, MONDO:0015356.

Submissions (3):

Myriad Genetics, Inc.
Classification: Pathogenic for Breast-ovarian cancer, familial, susceptibility to, 2. Last evaluated: 2026-05-06. Review status: criteria provided, single submitter. Criteria: Myriad Autosomal Dominant, Autosomal Recessive and X-Linked Classification Criteria (2023). Collection method: clinical testing. Allele origin: unknown.
Comment: This variant is considered pathogenic. This variant creates a frameshift predicted to result in premature protein truncation.

Ambry Genetics
Classification: Pathogenic for Hereditary cancer-predisposing syndrome. Last evaluated: 2025-11-25. Review status: criteria provided, single submitter. Criteria: Ambry Variant Classification Scheme 2023. Collection method: clinical testing. Allele origin: germline.
Comment: The c.6822dupA pathogenic mutation, located in coding exon 10 of the BRCA2 gene, results from a duplication of A at nucleotide position 6822, causing a translational frameshift with a predicted alternate stop codon (p.E2275Rfs*18). This variant is considered to be rare based on population cohorts in the Genome Aggregation Database (gnomAD). This alteration is expected to result in loss of function by premature protein truncation or nonsense-mediated mRNA decay. As such, this alteration is interpreted as a disease-causing mutation.

Labcorp Genetics (formerly Invitae), Labcorp
Classification: Pathogenic for Hereditary breast ovarian cancer syndrome. Last evaluated: 2025-07-21. Review status: criteria provided, single submitter. Criteria: Invitae Variant Classification Sherloc (09022015). Collection method: clinical testing. Allele origin: germline.
Comment: This sequence change creates a premature translational stop signal (p.Glu2275Argfs*18) in the BRCA2 gene. It is expected to result in an absent or disrupted protein product. Loss-of-function variants in BRCA2 are known to be pathogenic (PMID: 20104584). This variant is not present in population databases (gnomAD no frequency). This variant has not been reported in the literature in individuals affected with BRCA2-related conditions. For these reasons, this variant has been classified as Pathogenic.

Literature cited by the submitters: PubMed 20104584 (cited by Labcorp Genetics (formerly Invitae), Labcorp).

NM_000059.4(BRCA2):c.6822dup (p.Glu2275fs)

Gene: BRCA2 (BRCA2 DNA repair associated; plus strand). Cytogenetic location: 13q13.1.
Variant type: Duplication.
Coding change: c.6822dup on transcript NM_000059.4 (MANE Select); coding-DNA position 6822, one base duplicated (A; older notation c.6822dupA).
Protein change: p.Glu2275fs; shifts the reading frame from glutamic acid 2275.
Molecular consequence: frameshift variant. On other transcripts: non-coding transcript variant (1), intron variant (2).
Genome position (GRCh38, 1-based): chr13:32,341,177, A duplicated. VCF-style (leftmost placement, unchanged base first): chr13-32341176-G-GA. GRCh37 (hg19) VCF-style: chr13-32915313-G-GA.
Other names: c.6822dup, p.Glu2275fs (NM_001406719.1, NM_001406720.1, NM_001432077.1); c.6822dupA (NM_000059.3); c.1910-3381dup (NM_001406721.1); c.425-3381dup (NM_001406722.1); short protein forms E2275fs.
Identifiers: ClinVar variation 4629367 (VCV004629367.3).